The following is an entry in ClinVar:

ClinVar aggregate classification (germline): Likely benign. Review status: criteria provided, single submitter (1 of 4 stars). 2 submissions from 2 submitters: Likely benign (1). 1 of the submissions does not count toward it. Last evaluated 2022-06-03.

Conditions:
TUB-related disorder. Also called: TUB-related condition.

gnomAD v4.1: 22 of 1,612,638 alleles (0.0014%); highest among the groups gnomAD compares: African/African-American, 0.004%; 1 homozygote.

Submissions (2):

Labcorp Genetics (formerly Invitae), Labcorp
Classification: Likely benign. Last evaluated: 2022-06-03. Review status: criteria provided, single submitter. Criteria: Invitae Variant Classification Sherloc (09022015). Collection method: clinical testing. Allele origin: germline.

PreventionGenetics, part of Exact Sciences
Classification: Likely benign for TUB-related condition. Last evaluated: 2022-11-29. Review status: no assertion criteria provided. Collection method: clinical testing. Allele origin: germline. Not counted in ClinVar's aggregate classification.
Comment: This variant is classified as likely benign based on ACMG/AMP sequence variant interpretation guidelines (Richards et al. 2015 PMID: 25741868, with internal and published modifications).

NM_177972.3(TUB):c.591C>T (p.Asp197=)

Genes: RIC3 (RIC3 acetylcholine receptor chaperone; minus strand), TUB (TUB bipartite transcription factor; plus strand). Cytogenetic location: 11p15.4.
Variant type: single nucleotide variant.
Coding change: c.591C>T on transcript NM_177972.3 (MANE Select); coding-DNA position 591, C replaced by T.
Protein change: p.Asp197=; no amino-acid change (aspartic acid 197 retained).
Molecular consequence: synonymous variant.
Genome position (GRCh38, 1-based): chr11:8,096,710, C>T. VCF-style: chr11-8096710-C-T. GRCh37 (hg19) VCF-style: chr11-8118257-C-T.
Other names: c.756C>T, p.Asp252= (NM_003320.5); c.756C>T (NM_003320.4).
Identifiers: ClinVar variation 1593916 (VCV001593916.9), dbSNP rs775236651, ClinGen allele CA473009393.